The following is an entry in ClinVar:

ClinVar aggregate classification (germline): Pathogenic (1 of 4 stars; one submission).

Conditions:
Rienhoff syndrome. Also called: LOEYS-DIETZ SYNDROME 5. Identifiers: MedGen C3810012, MONDO:0014262, OMIM 615582.

Submission:

Labcorp Genetics (formerly Invitae), Labcorp
Classification: Pathogenic for Rienhoff syndrome. Last evaluated: 2023-12-28. Review status: criteria provided, single submitter. Criteria: Invitae Variant Classification Sherloc (09022015). Collection method: clinical testing. Allele origin: germline.
Comment: This sequence change affects a donor splice site in intron 2 of the TGFB3 gene. It is expected to disrupt RNA splicing. Variants that disrupt the donor or acceptor splice site typically lead to a loss of protein function (PMID: 16199547), and loss-of-function variants in TGFB3 are known to be pathogenic (PMID: 25835445, 26188975). This variant is not present in population databases (gnomAD no frequency). Disruption of this splice site has been observed in individuals with clinical features of Loeys-Dietz syndrome (PMID: 31898322; Invitae). Algorithms developed to predict the effect of sequence changes on RNA splicing suggest that this variant may disrupt the consensus splice site. For these reasons, this variant has been classified as Pathogenic.

Literature cited by the submitters: PubMed 16199547; PubMed 25835445; PubMed 26188975; PubMed 31898322.

NM_003239.5(TGFB3):c.516+1G>T

Gene: TGFB3 (transforming growth factor beta 3; minus strand). Cytogenetic location: 14q24.3.
Variant type: single nucleotide variant.
Coding change: c.516+1G>T on transcript NM_003239.5 (MANE Select); the canonical splice donor site of the intron after coding-DNA position 516, G replaced by T.
Molecular consequence: splice donor variant.
Genome position (GRCh38, 1-based): chr14:75,971,554, C>A on the plus strand (G>T on the coding strand, the complement: TGFB3 is on the minus strand). VCF-style: chr14-75971554-C-A. GRCh37 (hg19) VCF-style: chr14-76437897-C-A.
Other names: c.516+1G>T (NM_001329939.2, NM_001329938.2).
Identifiers: ClinVar variation 2751751 (VCV002751751.3), dbSNP rs2504111590, ClinGen allele CA390469801.